The following is an entry in ClinVar:

ClinVar aggregate classification (germline): Benign/Likely benign. Review status: criteria provided, multiple submitters, no conflicts (2 of 4 stars). 3 submissions from 3 submitters: Benign (2); Likely benign (1). Last evaluated 2025-08-25.

Conditions:
Progressive myoclonic epilepsy type 8. Identifiers: Orphanet 424027, MedGen C5190825, MONDO:0014545, OMIM 616230.

Allele frequency attached by ClinVar (database versions not stated): ExAC 0.00035; gnomAD 0.00064; TOPMed 0.00081; ESP Exome Variant Server 0.00110; 1000 Genomes Project 0.00140; 1000 Genomes Project 30x 0.00141.
gnomAD v4.1: 327 of 1,612,910 alleles (0.02%); highest among the groups gnomAD compares: African/African-American, 0.33%; 1 homozygote.

Submissions (3):

Labcorp Genetics (formerly Invitae), Labcorp
Classification: Benign for Progressive myoclonic epilepsy type 8. Last evaluated: 2025-08-25. Review status: criteria provided, single submitter. Criteria: Invitae Variant Classification Sherloc (09022015). Collection method: clinical testing. Allele origin: germline.

Blueprint Genetics
Classification: Likely benign. Last evaluated: 2023-04-27. Review status: criteria provided, single submitter. Criteria: ACMG Guidelines, 2015. Collection method: clinical testing. Allele origin: germline.

GeneDx
Classification: Benign. Last evaluated: 2013-10-15. Review status: criteria provided, single submitter. Criteria: GeneDx Variant Classification (06012015). Collection method: clinical testing. Allele origin: germline. Affected: yes.
Comment: This variant is considered likely benign or benign based on one or more of the following criteria: it is a conservative change, it occurs at a poorly conserved position in the protein, it is predicted to be benign by multiple in silico algorithms, and/or has population frequency not consistent with disease.

NM_001492.6(GDF1):c.-894A>G

Genes: GDF1 (growth differentiation factor 1; minus strand), CERS1 (ceramide synthase 1; minus strand). Cytogenetic location: 19p13.11.
Variant type: single nucleotide variant.
Coding change: c.-894A>G on transcript NM_001492.6 (MANE Select); 894 bases upstream of the start codon, A replaced by G.
Molecular consequence: 5 prime UTR variant. On other transcripts: synonymous variant (10).
Genome position (GRCh38, 1-based): chr19:18,884,248, T>C on the plus strand (A>G on the coding strand, the complement: GDF1 is on the minus strand). VCF-style: chr19-18884248-T-C. GRCh37 (hg19) VCF-style: chr19-18995057-T-C.
Other names: c.135A>G, p.Ala45= (NM_001290265.2, NM_001387442.1, NM_001387443.1 and 2 more transcripts); c.429A>G, p.Ala143= (NM_001387439.1, NM_001387440.1, NM_001387441.1 and 2 more transcripts); c.-474A>G (NM_001387438.1).
Identifiers: ClinVar variation 137455 (VCV000137455.13), dbSNP rs200107216, ClinGen allele CA291047.